The following is an entry in ClinVar:

ClinVar aggregate classification (germline): Uncertain significance. Review status: criteria provided, multiple submitters, no conflicts (2 of 4 stars). 5 submissions from 5 submitters: Uncertain significance (5). Last evaluated 2024-02-27.

Conditions:
Retinitis pigmentosa 62 (RP62). Identifiers: Orphanet 791, MedGen C3280042, MONDO:0013611, OMIM 614181.
Inborn genetic diseases. Identifiers: MedGen C0950123, MeSH D030342.

Allele frequency attached by ClinVar (database versions not stated): 1000 Genomes Project 30x 0.00016; TOPMed 0.00014; gnomAD exomes 0.00001 and 0.00002; gnomAD 0.00008; 1000 Genomes Project 0.00020.
gnomAD v4.1: 19 of 1,614,016 alleles (0.0012%); highest among the groups gnomAD compares: Admixed American, 0.028%; no homozygotes.

Submissions (5):

Ambry Genetics
Classification: Uncertain significance for Inborn genetic diseases. Last evaluated: 2024-02-27. Review status: criteria provided, single submitter. Criteria: Ambry Variant Classification Scheme 2023. Collection method: clinical testing. Allele origin: germline.

Labcorp Genetics (formerly Invitae), Labcorp
Classification: Uncertain significance. Last evaluated: 2022-08-16. Review status: criteria provided, single submitter. Criteria: Invitae Variant Classification Sherloc (09022015). Collection method: clinical testing. Allele origin: germline.
Comment: This sequence change replaces leucine, which is neutral and non-polar, with serine, which is neutral and polar, at codon 216 of the MAK protein (p.Leu216Ser). This variant is present in population databases (rs182178532, gnomAD 0.01%). This missense change has been observed in individual(s) with clinical features of MAK-related conditions (Invitae). ClinVar contains an entry for this variant (Variation ID: 935229). Advanced modeling of protein sequence and biophysical properties (such as structural, functional, and spatial information, amino acid conservation, physicochemical variation, residue mobility, and thermodynamic stability) performed at Invitae indicates that this missense variant is not expected to disrupt MAK protein function. In summary, the available evidence is currently insufficient to determine the role of this variant in disease. Therefore, it has been classified as a Variant of Uncertain Significance.

GeneDx
Classification: Uncertain significance. Last evaluated: 2022-07-15. Review status: criteria provided, single submitter. Criteria: GeneDx Variant Classification Process June 2021. Collection method: clinical testing. Allele origin: germline. Affected: yes.
Comment: In silico analysis supports that this missense variant has a deleterious effect on protein structure/function; Has not been previously published as pathogenic or benign to our knowledge

Blueprint Genetics
Classification: Uncertain significance. Last evaluated: 2021-07-20. Review status: criteria provided, single submitter. Criteria: ACMG Guidelines, 2015. Collection method: clinical testing. Allele origin: germline.

Ocular Genomics Institute, Massachusetts Eye and Ear
Classification: Uncertain significance for Retinitis pigmentosa 62. Last evaluated: 2021-04-08. Review status: criteria provided, single submitter. Criteria: ACMG Guidelines, 2015. Collection method: research. Allele origin: germline. Affected: yes.
Comment: Through a review of available evidence we were able to apply the following criteria: PM2. Based on this evidence we have classified this variant as Variant of Uncertain Significance.

NM_001242957.3(MAK):c.647T>C (p.Leu216Ser)

Gene: MAK (male germ cell associated kinase; minus strand). Cytogenetic location: 6p24.2.
Variant type: single nucleotide variant.
Coding change: c.647T>C on transcript NM_001242957.3 (MANE Select); coding-DNA position 647, T replaced by C.
Protein change: p.Leu216Ser; replaces leucine 216 with serine.
Molecular consequence: missense variant. On other transcripts: non-coding transcript variant (2).
Genome position (GRCh38, 1-based): chr6:10,803,736, A>G on the plus strand (T>C on the coding strand, the complement: MAK is on the minus strand). VCF-style: chr6-10803736-A-G. GRCh37 (hg19) VCF-style: chr6-10803969-A-G.
Other names: c.647T>C, p.Leu216Ser (NM_001242385.2, NM_005906.6); c.545T>C, p.Leu182Ser (NM_001377262.1); c.647T>C (NM_005906.4); short protein forms L182S, L216S.
Identifiers: ClinVar variation 935229 (VCV000935229.9), dbSNP rs182178532, ClinGen allele CA134120082.
Genomic context (GRCh38, chr6:10,803,736, plus strand): 5'-GAAATAATCAAAAGTTATAGCAACTTAGGGACAAGAGTACTTACTTTTTTGGGAGTCCCT[A>G]AAACTTGGCAAATTTTAAAGATTTCATCGACCTCACTTGTCCCTGGGAAAAGTGGCCTTA-3'
Protein context (NP_001229886.1, residues 206-226): VDEIFKICQV[Leu216Ser]GTPKKSDWPE